The following is an entry in ClinVar:

NM_002471.4(MYH6):c.5475G>C (p.Glu1825Asp)

Gene: MYH6 (myosin heavy chain 6; minus strand). Cytogenetic location: 14q11.2.
Variant type: single nucleotide variant.
Coding change: c.5475G>C on transcript NM_002471.4 (MANE Select); coding-DNA position 5475, G replaced by C.
Protein change: p.Glu1825Asp; replaces glutamic acid 1825 with aspartic acid.
Molecular consequence: missense variant.
Genome position (GRCh38, 1-based): chr14:23,384,532, C>G on the plus strand (G>C on the coding strand, the complement: MYH6 is on the minus strand). VCF-style: chr14-23384532-C-G. GRCh37 (hg19) VCF-style: chr14-23853741-C-G.
Other names: short protein forms E1825D.
Identifiers: ClinVar variation 1943370 (VCV001943370.5), dbSNP rs79143968, ClinGen allele CA7114426.

ClinVar aggregate classification (germline): Uncertain significance (1 of 4 stars; one submission).

Conditions:
Hypertrophic cardiomyopathy 14. Identifiers: MedGen C2750467, MONDO:0013197, OMIM 613251.

gnomAD v4.1: 4 of 1,613,310 alleles (0.00025%); highest among the groups gnomAD compares: Admixed American, 0.0067%; no homozygotes.

Submission:

Labcorp Genetics (formerly Invitae), Labcorp
Classification: Uncertain significance for Hypertrophic cardiomyopathy 14. Last evaluated: 2022-05-14. Review status: criteria provided, single submitter. Criteria: Invitae Variant Classification Sherloc (09022015). Collection method: clinical testing. Allele origin: germline.
Comment: Algorithms developed to predict the effect of missense changes on protein structure and function are either unavailable or do not agree on the potential impact of this missense change (SIFT: "Deleterious"; PolyPhen-2: "Benign"; Align-GVGD: "Class C0"). This variant has not been reported in the literature in individuals affected with MYH6-related conditions. This variant is present in population databases (rs79143968, gnomAD 0.009%). This sequence change replaces glutamic acid, which is acidic and polar, with aspartic acid, which is acidic and polar, at codon 1825 of the MYH6 protein (p.Glu1825Asp). In summary, the available evidence is currently insufficient to determine the role of this variant in disease. Therefore, it has been classified as a Variant of Uncertain Significance.